The following is an entry in ClinVar:

ClinVar aggregate classification (germline): Uncertain significance (1 of 4 stars; one submission).

Conditions:
AGO2-related disorder. Also called: AGO2-related condition.

Submission:

PreventionGenetics, part of Exact Sciences
Classification: Uncertain significance for AGO2-related condition. Last evaluated: 2024-10-12. Review status: criteria provided, single submitter. Criteria: ACMG Guidelines, 2015. Collection method: clinical testing. Allele origin: germline.
Comment: The AGO2 c.1018C>T variant is predicted to result in the amino acid substitution p.Pro340Ser. To our knowledge, this variant has not been reported in the literature or in a large population database (gnomAD), indicating this variant is rare. At this time, the clinical significance of this variant is uncertain due to the absence of conclusive functional and genetic evidence.

NM_012154.5(AGO2):c.1018C>T (p.Pro340Ser)

Genes: AGO2 (argonaute RISC catalytic component 2; minus strand), LOC126860544 (MED14-independent group 3 enhancer GRCh37_chr8:141567119-141568318; plus strand). Cytogenetic location: 8q24.3.
Variant type: single nucleotide variant.
Coding change: c.1018C>T on transcript NM_012154.5 (MANE Select); coding-DNA position 1018, C replaced by T.
Protein change: p.Pro340Ser; replaces proline 340 with serine.
Molecular consequence: missense variant.
Genome position (GRCh38, 1-based): chr8:140,557,097, G>A on the plus strand (C>T on the coding strand, the complement: AGO2 is on the minus strand). VCF-style: chr8-140557097-G-A. GRCh37 (hg19) VCF-style: chr8-141567196-G-A.
Other names: c.1018C>T, p.Pro340Ser (NM_001164623.3); short protein forms P340S.
Identifiers: ClinVar variation 4999281 (VCV004999281.1).